The following is an entry in ClinVar:

NM_001298.3(CNGA3):c.790T>A (p.Leu264Ile)

Gene: CNGA3 (cyclic nucleotide gated channel subunit alpha 3; plus strand). Cytogenetic location: 2q11.2.
Variant type: single nucleotide variant.
Coding change: c.790T>A on transcript NM_001298.3 (MANE Select); coding-DNA position 790, T replaced by A.
Protein change: p.Leu264Ile; replaces leucine 264 with isoleucine.
Molecular consequence: missense variant.
Genome position (GRCh38, 1-based): chr2:98,395,960, T>A. VCF-style: chr2-98395960-T-A. GRCh37 (hg19) VCF-style: chr2-99012423-T-A.
Other names: c.736T>A, p.Leu246Ile (NM_001079878.2); short protein forms L246I, L264I.
Identifiers: ClinVar variation 728852 (VCV000728852.14), dbSNP rs73964088, ClinGen allele CA1793894.

ClinVar aggregate classification (germline): Benign/Likely benign. Review status: criteria provided, multiple submitters, no conflicts (2 of 4 stars). 3 submissions from 3 submitters: Benign (1); Likely benign (1). 1 of the submissions does not count toward it. Last evaluated 2025-12-25.

Conditions:
CNGA3-related disorder. Also called: CNGA3-related condition.

Allele frequency attached by ClinVar (database versions not stated): gnomAD exomes 0.00021 and 0.00059; ExAC 0.00068; gnomAD 0.00198 and 0.00202; TOPMed 0.00202; ESP Exome Variant Server 0.00223; 1000 Genomes Project 30x 0.00281; 1000 Genomes Project 0.00319.
gnomAD v4.1: 613 of 1,614,178 alleles (0.038%); highest among the groups gnomAD compares: African/African-American, 0.73%; 5 homozygotes.

Submissions (3):

Labcorp Genetics (formerly Invitae), Labcorp
Classification: Benign. Last evaluated: 2025-12-25. Review status: criteria provided, single submitter. Criteria: Invitae Variant Classification Sherloc (09022015). Collection method: clinical testing. Allele origin: germline.

Blueprint Genetics
Classification: Likely benign. Last evaluated: 2024-09-18. Review status: criteria provided, single submitter. Criteria: ACMG Guidelines, 2015. Collection method: clinical testing. Allele origin: germline.

PreventionGenetics, part of Exact Sciences
Classification: Benign for CNGA3-related condition. Last evaluated: 2019-07-03. Review status: no assertion criteria provided. Collection method: clinical testing. Allele origin: germline. Not counted in ClinVar's aggregate classification.
Comment: This variant is classified as benign based on ACMG/AMP sequence variant interpretation guidelines (Richards et al. 2015 PMID: 25741868, with internal and published modifications).